The following is an entry in ClinVar:

NM_001367949.2(FAT3):c.12282-7G>A

Gene: FAT3 (FAT atypical cadherin 3; plus strand). Cytogenetic location: 11q14.3.
Variant type: single nucleotide variant.
Coding change: c.12282-7G>A on transcript NM_001367949.2 (MANE Select); 7 bases into the intron before coding-DNA position 12282, G replaced by A.
Molecular consequence: intron variant.
Genome position (GRCh38, 1-based): chr11:92,882,731, G>A. VCF-style: chr11-92882731-G-A. GRCh37 (hg19) VCF-style: chr11-92615897-G-A.
Other names: c.12282-7G>A (NM_001008781.3).
Identifiers: ClinVar variation 773251 (VCV000773251.5), dbSNP rs369657805, ClinGen allele CA6228526.
Genomic context (GRCh38, chr11:92,882,731, plus strand): 5'-GAGTTCCCGTATACCAACGTGTGTGCACTGGTCCTGACGGTGGGGAGGGGCTTCTGTGTC[G>A]CCGCAGGTGTGAGGAGGACATCAATGAGTGCGAACGAGAGGAGTGTGAGAACGGAGGCTC-3'

ClinVar aggregate classification (germline): Benign. Review status: criteria provided, single submitter (1 of 4 stars). 2 submissions from 2 submitters: Benign (1). 1 of the submissions does not count toward it. Last evaluated 2018-06-09.

Conditions:
FAT3-related disorder. Also called: FAT3-related condition.

Allele frequency attached by ClinVar (database versions not stated): 1000 Genomes Project 30x 0.00031; TOPMed 0.00108; gnomAD exomes 0.00131; ESP Exome Variant Server 0.00165; ExAC 0.00212; gnomAD 0.00303.
gnomAD v4.1: 2,465 of 1,584,686 alleles (0.16%); highest among the groups gnomAD compares: Non-Finnish European, 0.19%; 7 homozygotes.

Submissions (2):

Labcorp Genetics (formerly Invitae), Labcorp
Classification: Benign. Last evaluated: 2018-06-09. Review status: criteria provided, single submitter. Criteria: Invitae Variant Classification Sherloc (09022015). Collection method: clinical testing. Allele origin: germline.

PreventionGenetics, part of Exact Sciences
Classification: Likely benign for FAT3-related condition. Last evaluated: 2019-12-05. Review status: no assertion criteria provided. Collection method: clinical testing. Allele origin: germline. Not counted in ClinVar's aggregate classification.
Comment: This variant is classified as likely benign based on ACMG/AMP sequence variant interpretation guidelines (Richards et al. 2015 PMID: 25741868, with internal and published modifications).